The following is an entry in ClinVar:

ClinVar aggregate classification (germline): Uncertain significance (1 of 4 stars; one submission).

Conditions:
Hereditary cancer-predisposing syndrome. Also called: Hereditary neoplastic syndrome; Neoplastic Syndromes, Hereditary; Tumor predisposition; Hereditary Cancer Syndrome. Identifiers: Orphanet 140162, MedGen C0027672, MeSH D009386, MONDO:0015356.

Submission:

Ambry Genetics
Classification: Uncertain significance for Hereditary cancer-predisposing syndrome. Last evaluated: 2025-07-03. Review status: criteria provided, single submitter. Criteria: Ambry Variant Classification Scheme 2023. Collection method: clinical testing. Allele origin: germline.
Comment: The p.S2239C variant (also known as c.6715A>T), located in coding exon 15 of the APC gene, results from an A to T substitution at nucleotide position 6715. The serine at codon 2239 is replaced by cysteine, an amino acid with dissimilar properties. This amino acid position is conserved. In addition, in silico predictors for this gene do not accurately predict pathogenicity. Based on the available evidence, the clinical significance of this variant remains unclear.

NM_000038.6(APC):c.6715A>T (p.Ser2239Cys)

Gene: APC (APC regulator of Wnt signaling pathway; plus strand). Cytogenetic location: 5q22.2.
Variant type: single nucleotide variant.
Coding change: c.6715A>T on transcript NM_000038.6 (MANE Select); coding-DNA position 6715, A replaced by T.
Protein change: p.Ser2239Cys; replaces serine 2239 with cysteine.
Molecular consequence: missense variant. On other transcripts: non-coding transcript variant (2).
Genome position (GRCh38, 1-based): chr5:112,842,309, A>T. VCF-style: chr5-112842309-A-T. GRCh37 (hg19) VCF-style: chr5-112178006-A-T.
Other names: c.6769A>T, p.Ser2257Cys (NM_001407448.1, NM_001407449.1, NM_001354896.2 and 1 more transcripts); c.6715A>T, p.Ser2239Cys (NM_001407450.1, NM_001127510.3, NM_001354895.2); c.6694A>T, p.Ser2232Cys (NM_001407451.1); c.6685A>T, p.Ser2229Cys (NM_001407452.1); c.6538A>T, p.Ser2180Cys (NM_001407453.1, NM_001354901.2); c.6661A>T, p.Ser2221Cys (NM_001127511.3); c.6745A>T, p.Ser2249Cys (NM_001354897.2); c.6640A>T, p.Ser2214Cys (NM_001354898.2); and 11 more; short protein forms S2079C, S2211C, S2214C, S2221C, S2113C, S2138C, S2180C, S2198C.
Identifiers: ClinVar variation 4120738 (VCV004120738.1).
Genomic context (GRCh38, chr5:112,842,309, plus strand): 5'-GCAAACATGCCTTCAATCTCTCGAGGCAGGACAATGATTCATATTCCAGGAGTTCGAAAT[A>T]GCTCCTCAAGTACAAGTCCTGTTTCTAAAAAAGGCCCACCCCTTAAGACTCCAGCCTCCA-3'
Protein context (NP_000029.2, residues 2229-2249): TMIHIPGVRN[Ser2239Cys]SSSTSPVSKK